The following is an entry in ClinVar:

NM_014363.6(SACS):c.2572T>G (p.Ser858Ala)

Gene: SACS (sacsin molecular chaperone; minus strand). Cytogenetic location: 13q12.12.
Variant type: single nucleotide variant.
Coding change: c.2572T>G on transcript NM_014363.6 (MANE Select); coding-DNA position 2572, T replaced by G.
Protein change: p.Ser858Ala; replaces serine 858 with alanine.
Molecular consequence: missense variant.
Genome position (GRCh38, 1-based): chr13:23,341,304, A>C on the plus strand (T>G on the coding strand, the complement: SACS is on the minus strand). VCF-style: chr13-23341304-A-C. GRCh37 (hg19) VCF-style: chr13-23915443-A-C.
Other names: c.2572T>G (NM_014363.4); c.2131T>G, p.Ser711Ala (NM_001278055.2); short protein forms S711A, S858A.
Identifiers: ClinVar variation 2163454 (VCV002163454.5), dbSNP rs762493571, ClinGen allele CA6911667.
Genomic context (GRCh38, chr13:23,341,304, plus strand): 5'-GCAAAACAGCACTTGGTAATGGTGAATGAATATATTTTTTAATAAGCGGATGTTGTATAG[A>C]TGCATCTAATTTTTTAAGGACAAACCCTCCAAGTTTTTGTACAATGTCTGCTAAAAATTC-3'
Protein context (NP_055178.3, residues 848-868): GGFVLKKLDA[Ser858Ala]IQHPLIKKYI

ClinVar aggregate classification (germline): Conflicting classifications of pathogenicity. Review status: criteria provided, conflicting classifications (1 of 4 stars). 2 submissions from 2 submitters: Uncertain significance (1); Likely benign (1). Last evaluated 2026-02-02.

Conditions:
Spastic paraplegia. Identifiers: MedGen C0037772, HP:0001258.

Allele frequency attached by ClinVar (database versions not stated): TOPMed 0.00001; ExAC 0.00002; gnomAD exomes 0.00002.
gnomAD v4.1: 16 of 1,608,178 alleles (0.00099%); highest among the groups gnomAD compares: Non-Finnish European, 0.0011%; no homozygotes.

Submissions (2):

Labcorp Genetics (formerly Invitae), Labcorp
Classification: Likely benign for Spastic paraplegia. Last evaluated: 2026-02-02. Review status: criteria provided, single submitter. Criteria: Invitae Variant Classification Sherloc (09022015). Collection method: clinical testing. Allele origin: germline.

Athena Diagnostics
Classification: Uncertain significance. Last evaluated: 2023-05-19. Review status: criteria provided, single submitter. Criteria: Athena Diagnostics Criteria. Collection method: clinical testing. Allele origin: unknown.
Comment: Available data are insufficient to determine the clinical significance of the variant at this time. The frequency of this variant in the general population is uninformative in assessment of its pathogenicity. Computational tools predict that this variant is not damaging.